The following is an entry in ClinVar:

ClinVar aggregate classification (germline): Pathogenic. Review status: criteria provided, multiple submitters, no conflicts (2 of 4 stars). 2 submissions from 2 submitters: Pathogenic (2). Last evaluated 2024-04-29.

Conditions:
Hereditary cancer-predisposing syndrome. Also called: Hereditary neoplastic syndrome; Neoplastic Syndromes, Hereditary; Tumor predisposition; Hereditary Cancer Syndrome. Identifiers: Orphanet 140162, MedGen C0027672, MeSH D009386, MONDO:0015356.
Familial cancer of breast. Also called: BREAST CANCER, FAMILIAL; Hereditary breast cancer; hereditary breast carcinoma. Identifiers: Orphanet 227535, MedGen C0346153, MONDO:0016419, OMIM 114480. Disease mechanism: loss of function.

Submissions (2):

Myriad Genetics, Inc.
Classification: Pathogenic for Familial cancer of breast. Last evaluated: 2024-04-29. Review status: criteria provided, single submitter. Criteria: Myriad Autosomal Dominant, Autosomal Recessive and X-Linked Classification Criteria (2023). Collection method: clinical testing. Allele origin: unknown.
Comment: This variant is considered pathogenic. This variant creates a frameshift predicted to result in premature protein truncation.

Ambry Genetics
Classification: Pathogenic for Hereditary cancer-predisposing syndrome. Last evaluated: 2023-07-07. Review status: criteria provided, single submitter. Criteria: Ambry Variant Classification Scheme 2023. Collection method: clinical testing. Allele origin: germline.
Comment: The c.1647_1648delCA pathogenic mutation, located in coding exon 4 of the PALB2 gene, results from a deletion of two nucleotides at nucleotide positions 1647 to 1648, causing a translational frameshift with a predicted alternate stop codon (p.H549Qfs*28). This alteration is expected to result in loss of function by premature protein truncation or nonsense-mediated mRNA decay. As such, this alteration is interpreted as a disease-causing mutation.

NM_024675.4(PALB2):c.1647_1648del (p.His549fs)

Gene: PALB2 (partner and localizer of BRCA2; minus strand). Cytogenetic location: 16p12.2.
Variant type: Microsatellite.
Coding change: c.1647_1648del on transcript NM_024675.4 (MANE Select); coding-DNA positions 1647 to 1648, 2 bases deleted (CA; older notation c.1647_1648delCA).
Protein change: p.His549fs; shifts the reading frame from histidine 549.
Molecular consequence: frameshift variant.
Genome position (GRCh38, 1-based): chr16:23,634,898-23,634,899, TG deleted on the plus strand (CA on the coding strand, the reverse complement: PALB2 is on the minus strand); deleting any 2 consecutive bases within chr16:23,634,898-23,634,903 gives the same sequence; the c. name uses the placement nearest the transcript's 3' end. VCF-style (leftmost placement, unchanged base first): chr16-23634897-TTG-T. GRCh37 (hg19) VCF-style: chr16-23646218-TTG-T.
Other names: c.1647_1648delCA (NM_024675.3); short protein forms H549fs.
Identifiers: ClinVar variation 184897 (VCV000184897.7), dbSNP rs786201773, ClinGen allele CA190415.